The following is an entry in ClinVar:

ClinVar aggregate classification (germline): Pathogenic (1 of 4 stars; one submission).

Conditions:
Zellweger spectrum disorders (ZS). Also called: Zellweger syndrome; Zellweger Spectrum Disorder (ZSD); Zellweger Spectrum Disorder; Zellweger Spectrum. Identifiers: Orphanet 912, MedGen C0043459, MONDO:0019609.

Submission:

Labcorp Genetics (formerly Invitae), Labcorp
Classification: Pathogenic for Zellweger spectrum disorders. Last evaluated: 2021-12-17. Review status: criteria provided, single submitter. Criteria: Invitae Variant Classification Sherloc (09022015). Collection method: clinical testing. Allele origin: germline.
Comment: For these reasons, this variant has been classified as Pathogenic. This variant disrupts a region of the PEX1 protein in which other variant(s) (p.Arg581Pro) have been determined to be pathogenic (PMID: 26387595). This suggests that this is a clinically significant region of the protein, and that variants that disrupt it are likely to be disease-causing. This variant has not been reported in the literature in individuals affected with PEX1-related conditions. This variant is not present in population databases (gnomAD no frequency). This variant, c.1742_1756del, results in the deletion of 5 amino acid(s) of the PEX1 protein (p.Arg581_Ser585del), but otherwise preserves the integrity of the reading frame.

Literature cited by the submitters: PubMed 26387595.

NM_000466.3(PEX1):c.1742_1756del (p.Arg581_Ser585del)

Gene: PEX1 (peroxisomal biogenesis factor 1; minus strand). Cytogenetic location: 7q21.2.
Variant type: Deletion.
Coding change: c.1742_1756del on transcript NM_000466.3 (MANE Select); coding-DNA positions 1742 to 1756, 15 bases deleted (GGCAGCTGATGTCTC).
Protein change: p.Arg581_Ser585del.
Molecular consequence: inframe deletion.
Genome position (GRCh38, 1-based): chr7:92,507,041-92,507,055, GAGACATCAGCTGCC deleted on the plus strand (GGCAGCTGATGTCTC on the coding strand, the reverse complement: PEX1 is on the minus strand); deleting any 15 consecutive bases within chr7:92,507,041-92,507,061 gives the same sequence; the c. name uses the placement nearest the transcript's 3' end. VCF-style (leftmost placement, unchanged base first): chr7-92507040-AGAGACATCAGCTGCC-A. GRCh37 (hg19) VCF-style: chr7-92136354-AGAGACATCAGCTGCC-A.
Other names: c.1742_1756del, p.Arg581_Ser585del (NM_001282677.2); c.1118_1132del, p.Arg373_Ser377del (NM_001282678.2).
Identifiers: ClinVar variation 2045084 (VCV002045084.4), dbSNP rs2484676331, ClinGen allele CA2580077836.